The following is an entry in ClinVar:

NM_025114.4(CEP290):c.376C>G (p.Gln126Glu)

Gene: CEP290 (centrosomal protein 290; minus strand). Cytogenetic location: 12q21.32.
Variant type: single nucleotide variant.
Coding change: c.376C>G on transcript NM_025114.4 (MANE Select); coding-DNA position 376, C replaced by G.
Protein change: p.Gln126Glu; replaces glutamine 126 with glutamic acid.
Molecular consequence: missense variant.
Genome position (GRCh38, 1-based): chr12:88,136,708, G>C on the plus strand (C>G on the coding strand, the complement: CEP290 is on the minus strand). VCF-style: chr12-88136708-G-C. GRCh37 (hg19) VCF-style: chr12-88530485-G-C.
Other names: short protein forms Q126E.
Identifiers: ClinVar variation 4985163 (VCV004985163.1).

ClinVar aggregate classification (germline): Uncertain significance (1 of 4 stars; one submission).

Conditions:
CEP290-related disorder. Also called: CEP290-related disorders; CEP290-related condition. Identifiers: MedGen CN239314.

gnomAD v4.1: 1 of 1,613,310 alleles (0.000062%); highest among the groups gnomAD compares: Non-Finnish European, 0.000085%; no homozygotes.

Submission:

PreventionGenetics, part of Exact Sciences
Classification: Uncertain significance for CEP290-related condition. Last evaluated: 2025-07-21. Review status: criteria provided, single submitter. Criteria: ACMG Guidelines, 2015. Collection method: clinical testing. Allele origin: germline.
Comment: The CEP290 c.376C>G variant is predicted to result in the amino acid substitution p.Gln126Glu. To our knowledge, this variant has not been reported in the literature or in a large population database (gnomAD), indicating this variant is rare. At this time, the clinical significance of this variant is uncertain due to the absence of conclusive functional and genetic evidence.